The following is an entry in ClinVar:

ClinVar aggregate classification (germline): Uncertain significance. Review status: criteria provided, multiple submitters, no conflicts (2 of 4 stars). 2 submissions from 2 submitters: Uncertain significance (2). Last evaluated 2025-09-17.

Allele frequency attached by ClinVar (database versions not stated): gnomAD 0.00006; TOPMed 0.00006; ExAC 0.00008; gnomAD exomes 0.00009; ESP Exome Variant Server 0.00023.
gnomAD v4.1: 136 of 1,614,104 alleles (0.0084%); highest among the groups gnomAD compares: Non-Finnish European, 0.011%; no homozygotes.

Submissions (2):

Labcorp Genetics (formerly Invitae), Labcorp
Classification: Uncertain significance. Last evaluated: 2025-09-17. Review status: criteria provided, single submitter. Criteria: Invitae Variant Classification Sherloc (09022015). Collection method: clinical testing. Allele origin: germline.
Comment: This sequence change replaces phenylalanine, which is neutral and non-polar, with valine, which is neutral and non-polar, at codon 410 of the ATP2B4 protein (p.Phe410Val). This variant is present in population databases (rs146336588, gnomAD 0.01%). This variant has not been reported in the literature in individuals affected with ATP2B4-related conditions. ClinVar contains an entry for this variant (Variation ID: 2408401). Invitae Evidence Modeling of protein sequence and biophysical properties (such as structural, functional, and spatial information, amino acid conservation, physicochemical variation, residue mobility, and thermodynamic stability) indicates that this missense variant is not expected to disrupt ATP2B4 protein function with a negative predictive value of 80%. In summary, the available evidence is currently insufficient to determine the role of this variant in disease. Therefore, it has been classified as a Variant of Uncertain Significance.

Ambry Genetics
Classification: Uncertain significance. Last evaluated: 2025-04-21. Review status: criteria provided, single submitter. Criteria: Ambry Variant Classification Scheme 2023. Collection method: clinical testing. Allele origin: germline.

NM_001684.5(ATP2B4):c.1228T>G (p.Phe410Val)

Gene: ATP2B4 (ATPase plasma membrane Ca2+ transporting 4; plus strand). Cytogenetic location: 1q32.1.
Variant type: single nucleotide variant.
Coding change: c.1228T>G on transcript NM_001684.5 (MANE Select); coding-DNA position 1228, T replaced by G.
Protein change: p.Phe410Val; replaces phenylalanine 410 with valine.
Molecular consequence: missense variant.
Genome position (GRCh38, 1-based): chr1:203,707,137, T>G. VCF-style: chr1-203707137-T-G. GRCh37 (hg19) VCF-style: chr1-203676265-T-G.
Other names: c.1228T>G, p.Phe410Val (NM_001001396.3, NM_001365783.2, NM_001365784.2); short protein forms F410V.
Identifiers: ClinVar variation 2408401 (VCV002408401.4), dbSNP rs146336588, ClinGen allele CA1341574.